The following is an entry in ClinVar:

NM_016032.4(ZDHHC9):c.442C>T (p.Arg148Trp)

Gene: ZDHHC9 (zDHHC palmitoyltransferase 9; minus strand). Cytogenetic location: Xq26.1.
Variant type: single nucleotide variant.
Coding change: c.442C>T on transcript NM_016032.4 (MANE Select); coding-DNA position 442, C replaced by T.
Protein change: p.Arg148Trp; replaces arginine 148 with tryptophan.
Molecular consequence: missense variant.
Genome position (GRCh38, 1-based): chrX:129,823,724, G>A on the plus strand (C>T on the coding strand, the complement: ZDHHC9 is on the minus strand). VCF-style: chrX-129823724-G-A. GRCh37 (hg19) VCF-style: chrX-128957700-G-A.
Other names: c.442C>T, p.Arg148Trp (NM_001008222.3); short protein forms R148W.
Identifiers: ClinVar variation 10711 (VCV000010711.53), dbSNP rs137852214, ClinGen allele CA121153.

ClinVar aggregate classification (germline): Pathogenic/Likely pathogenic. Review status: criteria provided, multiple submitters, no conflicts (2 of 4 stars). 6 submissions from 6 submitters: Pathogenic (3); Likely pathogenic (2). 1 of the submissions does not count toward it. Last evaluated 2024-10-21.

Conditions:
Intellectual developmental disorder, X-linked, syndromic, Raymond type. Also called: Syndromic X-linked intellectual disability Raymond type. Identifiers: MedGen C3275406, MONDO:0010427, OMIM 300799.
Intellectual disability. Also called: Intellectual developmental disorder; Intellectual functioning disability; intellectual disabilities. Identifiers: MedGen C3714756, MeSH D008607, MONDO:0001071, HP:0001249.

Submissions (6):

Institute of Medical Genetics and Applied Genomics, University Hospital Tübingen
Classification: Pathogenic for Intellectual developmental disorder, X-linked, syndromic, Raymond type. Last evaluated: 2024-10-21. Review status: criteria provided, single submitter. Criteria: ACMG Guidelines, 2015. Collection method: clinical testing. Allele origin: germline. Inheritance: X-linked recessive inheritance. Affected: yes.

Labcorp Genetics (formerly Invitae), Labcorp
Classification: Pathogenic for Intellectual developmental disorder, X-linked, syndromic, Raymond type. Last evaluated: 2023-04-12. Review status: criteria provided, single submitter. Criteria: Invitae Variant Classification Sherloc (09022015). Collection method: clinical testing. Allele origin: germline.
Comment: This missense change has been observed in individual(s) with X-linked intellectual disability (PMID: 17436253, 29681091). In at least one individual the variant was observed to be de novo. For these reasons, this variant has been classified as Pathogenic. Experimental studies have shown that this missense change affects ZDHHC9 function (PMID: 24811172). Advanced modeling of protein sequence and biophysical properties (such as structural, functional, and spatial information, amino acid conservation, physicochemical variation, residue mobility, and thermodynamic stability) performed at Invitae indicates that this missense variant is expected to disrupt ZDHHC9 protein function. ClinVar contains an entry for this variant (Variation ID: 10711). This variant is not present in population databases (gnomAD no frequency). This sequence change replaces arginine, which is basic and polar, with tryptophan, which is neutral and slightly polar, at codon 148 of the ZDHHC9 protein (p.Arg148Trp).

Diagnostic Laboratory, Strasbourg University Hospital
Classification: Likely pathogenic for Intellectual disability. Last evaluated: 2020-09-10. Review status: criteria provided, single submitter. Criteria: ACMG Guidelines, 2015. Collection method: clinical testing. Allele origin: maternal. Affected: yes. Observed: 1 hemizygote.

CeGaT Center for Human Genetics Tuebingen
Classification: Pathogenic. Last evaluated: 2020-06-01. Review status: criteria provided, single submitter. Criteria: CeGaT Center For Human Genetics Tuebingen Variant Classification Criteria Version 2. Collection method: clinical testing. Allele origin: germline. Affected: yes. Observed: 5 variant alleles.

Centre for Mendelian Genomics, University Medical Centre Ljubljana
Classification: Likely pathogenic for Intellectual developmental disorder, X-linked, syndromic, Raymond type. Last evaluated: 2016-01-01. Review status: criteria provided, single submitter. Criteria: ACMG Guidelines, 2015. Collection method: clinical testing. Allele origin: unknown. Affected: yes.
Comment: This variant was classified as: Likely pathogenic. The following ACMG criteria were applied in classifying this variant: PS1,PM2,PP2,PP3. This variant was detected in hemizygous state.

OMIM
Classification: Pathogenic for INTELLECTUAL DEVELOPMENTAL DISORDER, X-LINKED, SYNDROMIC, RAYMOND TYPE. Last evaluated: 2007-05-01. Review status: no assertion criteria provided. Collection method: literature only. Allele origin: germline. Not counted in ClinVar's aggregate classification.

Literature cited by the submitters: PubMed 17436253 (cited by Labcorp Genetics (formerly Invitae), Labcorp and OMIM); PubMed 29681091 (cited by Labcorp Genetics (formerly Invitae), Labcorp and OMIM); PubMed 24811172 (cited by Labcorp Genetics (formerly Invitae), Labcorp).